The following is an entry in ClinVar:

NM_000186.4(CFH):c.427+116del

Gene: CFH (complement factor H; plus strand). Cytogenetic location: 1q31.3.
Variant type: Deletion.
Coding change: c.427+116del on transcript NM_000186.4 (MANE Select); 116 bases into the intron after coding-DNA position 427, one base deleted (T; older notation c.427+116delT).
Molecular consequence: intron variant.
Genome position (GRCh38, 1-based): chr1:196,676,181, T deleted; the last of 9 consecutive T bases (chr1:196,676,173-196,676,181); deleting any one gives the same sequence. VCF-style (leftmost placement, unchanged base first): chr1-196676172-GT-G. GRCh37 (hg19) VCF-style: chr1-196645302-GT-G.
Other names: c.427+116del (NM_001014975.3).
Identifiers: ClinVar variation 4291694 (VCV004291694.2).
Genomic context (GRCh38, chr1:196,676,172, plus strand): 5'-ATTTAAAAAAAGTCTTACATTAAAATATCTTAAAGTCTCTATTAAATATTTTTATTTAAT[GT>G]TTTTTTTTCTCATACAATGTAGAGTGGGAATCTAGTCTTTTTATTACTACATTCTTGGTG-3'

ClinVar aggregate classification (germline): Likely benign (1 of 4 stars; one submission).

Conditions:
Atypical hemolytic-uremic syndrome. Identifiers: Orphanet 2134, MedGen C2931788, MONDO:0016244.
Age related macular degeneration 4. Identifiers: MedGen C1853147, MONDO:0012540, OMIM 610698.
Basal laminar drusen. Also called: DRUSEN OF BRUCH MEMBRANE; DRUSEN, CUTICULAR; DRUSEN, EARLY ADULT-ONSET, GROUPED. Identifiers: Orphanet 75376, MedGen C0730295, MONDO:0007472, OMIM 126700.
Factor H deficiency (CFHD). Also called: COMPLEMENT FACTOR H DEFICIENCY; CFH DEFICIENCY. Identifiers: Orphanet 200421, MedGen C0398777, MONDO:0012350, OMIM 609814.

Submission:

Genomenon, Inc
Classification: Likely benign for Age related macular degeneration 4; Atypical hemolytic-uremic syndrome; Factor H deficiency; Basal laminar drusen. Last evaluated: 2026-09-17. Review status: criteria provided, single submitter. Criteria: Genomenon Sequence Variant Interpretation Standards - Updated. Collection method: curation. Allele origin: germline. Affected: no.
Comment: CFH c.427+116del is a deletion variant located in intron 4. This variant has been reported in the published literature (PMID: 18421087). This variant is not predicted to impact splicing. This variant's allele frequency in gnomAD is greater than expected for this disorder. In conclusion, we classify CFH c.427+116del as a likely benign variant.

Literature cited by the submitters: PubMed 18421087.